The following is an entry in ClinVar:

ClinVar aggregate classification (germline): Uncertain significance. Review status: criteria provided, multiple submitters, no conflicts (2 of 4 stars). 3 submissions from 3 submitters: Uncertain significance (3). Last evaluated 2025-02-07.

Conditions:
Hypercholesterolemia, autosomal dominant, 3 (FHCL3). Also called: Familial hypercholesterolemia 3; Familial Hypercholesterolemia, Autosomal Dominant, 3; PCSK9-Related Familial Hypercholesterolemia, Autosomal Dominant. Identifiers: MedGen C1863551, MONDO:0011369, OMIM 603776.
Cardiovascular phenotype. Identifiers: MedGen CN230736.

Allele frequency attached by ClinVar (database versions not stated): ExAC 0.00001; gnomAD 0.00001; TOPMed 0.00001.
gnomAD v4.1: 9 of 1,612,962 alleles (0.00056%); highest among the groups gnomAD compares: South Asian, 0.0044%; no homozygotes.

Submissions (3):

Ambry Genetics
Classification: Uncertain significance for Cardiovascular phenotype. Last evaluated: 2025-02-07. Review status: criteria provided, single submitter. Criteria: Ambry Variant Classification Scheme 2023. Collection method: clinical testing. Allele origin: germline.

All of Us Research Program, National Institutes of Health
Classification: Uncertain significance for Hypercholesterolemia, autosomal dominant, 3. Last evaluated: 2023-05-16. Review status: criteria provided, single submitter. Criteria: ACMG Guidelines, 2015. Collection method: clinical testing. Allele origin: germline. Inheritance: Autosomal dominant inheritance. Observed: 2 variant alleles, 2 heterozygotes.
Comment: This missense variant replaces proline with leucine at codon 445 of the PCSK9 protein. Computational prediction suggests that this variant may not impact protein structure and function (internally defined REVEL score threshold <= 0.5, PMID: 27666373). To our knowledge, functional studies have not been reported for this variant. This variant has not been reported in individuals affected with PCSK9-related disorders in the literature. This variant has been identified in 2/280476 chromosomes in the general population by the Genome Aggregation Database (gnomAD). The available evidence is insufficient to determine the role of this variant in disease conclusively. Therefore, this variant is classified as a Variant of Uncertain Significance.

This study involves interpretation of variants in research participants for the purpose of population health screening. Participant phenotype was not available at the time of variant classification. Additional details can be found in publication PMID: 35346344, PMCID: PMC8962531

Institute of Human Genetics, University of Leipzig Medical Center
Classification: Uncertain significance for Hypercholesterolemia, autosomal dominant, 3. Last evaluated: 2019-01-01. Review status: criteria provided, single submitter. Criteria: ACMG Guidelines, 2015. Collection method: clinical testing. Allele origin: unknown. Affected: yes.

NM_174936.4(PCSK9):c.1334C>T (p.Pro445Leu)

Gene: PCSK9 (proprotein convertase subtilisin/kexin type 9; plus strand). Cytogenetic location: 1p32.3.
Variant type: single nucleotide variant.
Coding change: c.1334C>T on transcript NM_174936.4 (MANE Select); coding-DNA position 1334, C replaced by T.
Protein change: p.Pro445Leu; replaces proline 445 with leucine.
Molecular consequence: missense variant.
Genome position (GRCh38, 1-based): chr1:55,058,189, C>T. VCF-style: chr1-55058189-C-T. GRCh37 (hg19) VCF-style: chr1-55523862-C-T.
Other names: short protein forms P445L.
Identifiers: ClinVar variation 982867 (VCV000982867.3), dbSNP rs769060209, ClinGen allele CA036374.